The following is an entry in ClinVar:

NM_030665.4(RAI1):c.628C>A (p.Pro210Thr)

Gene: RAI1 (retinoic acid induced 1; plus strand). Cytogenetic location: 17p11.2.
Variant type: single nucleotide variant.
Coding change: c.628C>A on transcript NM_030665.4 (MANE Select); coding-DNA position 628, C replaced by A.
Protein change: p.Pro210Thr; replaces proline 210 with threonine.
Molecular consequence: missense variant.
Genome position (GRCh38, 1-based): chr17:17,793,576, C>A. VCF-style: chr17-17793576-C-A. GRCh37 (hg19) VCF-style: chr17-17696890-C-A.
Other names: short protein forms P210T.
Identifiers: ClinVar variation 1676911 (VCV001676911.2), dbSNP rs1480442331, ClinGen allele CA398545877.

ClinVar aggregate classification (germline): Uncertain significance (1 of 4 stars; one submission).

Allele frequency attached by ClinVar (database versions not stated): TOPMed below 0.00001; gnomAD 0.00001.
gnomAD v4.1: 1 of 1,613,786 alleles (0.000062%); highest among the groups gnomAD compares: East Asian, 0.0022%; no homozygotes.

Submission:

GeneDx
Classification: Uncertain significance. Last evaluated: 2021-10-16. Review status: criteria provided, single submitter. Criteria: GeneDx Variant Classification Process June 2021. Collection method: clinical testing. Allele origin: germline. Affected: yes.
Comment: Not observed at significant frequency in large population cohorts (gnomAD); In silico analysis supports that this missense variant has a deleterious effect on protein structure/function; Has not been previously published as pathogenic or benign to our knowledge